The following is an entry in ClinVar:

ClinVar aggregate classification (germline): Uncertain significance (1 of 4 stars; one submission).

Conditions:
Autosomal recessive nonsyndromic hearing loss 32. Also called: Deafness, autosomal recessive 32; HEARING IMPAIRMENT INFERTILE MALE SYNDROME; Deafness, autosomal recessive 105. Identifiers: Orphanet 90636, MedGen C1837608, MONDO:0012091, OMIM 608653.

Submission:

Department of Otorhinolaryngology, Head and Neck Surgery, Jiangxi Provincial Children's Hospital
Classification: Uncertain significance for Autosomal recessive nonsyndromic hearing loss 32. Last evaluated: 2025-10-01. Review status: criteria provided, single submitter. Criteria: ACMG Guidelines, 2015. Collection method: clinical testing. Allele origin: germline. Affected: yes. Observed: 2 variant alleles.
Comment: NM_033312.3: c.643T>G is a new missense mutation in the CDC14A gene, which co-segregated with the congenital severe hearing loss phenotype in a homozygous state within the affected siblings. The c.643T>G missense variant in CDC14A's exon 9 substitutes tyrosine with aspartic acid at residue 215 (p.Tyr215Asp), located within the α-helix of the C-terminal dual-specificity phosphatase domain. The CDC14A variant (c.643T>G, p.Tyr215Asp) was classified as a Variant of Uncertain Significance (VUS) according to ACMG guidelines. This classification was supported by the following criteria: PP1 (co-segregation in two affected siblings), PP3 (a REVEL score of 0.736 suggests a deleterious effect on the gene or its product), PM2_Supporting (absence in population databases such as 1000 Genomes, ExAC, gnomAD, and Chinese population databases), and PM3_Supporting (homozygosity in affected individuals).

NM_003672.4(CDC14A):c.643T>G (p.Tyr215Asp)

Gene: CDC14A (cell division cycle 14A; plus strand). Cytogenetic location: 1p21.2.
Variant type: single nucleotide variant.
Coding change: c.643T>G on transcript NM_003672.4 (MANE Select); coding-DNA position 643, T replaced by G.
Protein change: p.Tyr215Asp; replaces tyrosine 215 with aspartic acid.
Molecular consequence: missense variant. On other transcripts: 5 prime UTR variant (1).
Genome position (GRCh38, 1-based): chr1:100,462,686, T>G. VCF-style: chr1-100462686-T-G. GRCh37 (hg19) VCF-style: chr1-100928242-T-G.
Other names: c.643T>G, p.Tyr215Asp (NM_001319210.2, NM_033312.3, NM_033313.3); c.469T>G, p.Tyr157Asp (NM_001319211.2); c.-237T>G (NM_001319212.2); short protein forms Y157D, Y215D.
Identifiers: ClinVar variation 4526587 (VCV004526587.1).
Genomic context (GRCh38, chr1:100,462,686, plus strand): 5'-GCTTACTGCTCCTTTGTTCCTTTAGGTTATCCTCTTCACGCCCCTGAAGCCTACTTTCCT[T>G]ATTTCAAAAAGCATAATGTGACTGCAGTTGTGAGGCTAAACAAAAAGATTTATGAGGCAA-3'
Protein context (NP_003663.2, residues 205-225): PLHAPEAYFP[Tyr215Asp]FKKHNVTAVV